The following is an entry in ClinVar:

NM_001352754.2(ARMC9):c.663A>C (p.Glu221Asp)

Gene: ARMC9 (armadillo repeat containing 9; plus strand). Cytogenetic location: 2q37.1.
Variant type: single nucleotide variant.
Coding change: c.663A>C on transcript NM_001352754.2 (MANE Select); coding-DNA position 663, A replaced by C.
Protein change: p.Glu221Asp; replaces glutamic acid 221 with aspartic acid.
Molecular consequence: missense variant. On other transcripts: non-coding transcript variant (1).
Genome position (GRCh38, 1-based): chr2:231,235,264, A>C. VCF-style: chr2-231235264-A-C. GRCh37 (hg19) VCF-style: chr2-232099977-A-C.
Other names: c.663A>C, p.Glu221Asp (NM_001271466.4, NM_001291656.2, NM_001352755.2 and 5 more transcripts); short protein forms E221D.
Identifiers: ClinVar variation 2130055 (VCV002130055.4), dbSNP rs374113705, ClinGen allele CA2160015.

ClinVar aggregate classification (germline): Uncertain significance (1 of 4 stars; one submission).

Allele frequency attached by ClinVar (database versions not stated): gnomAD exomes below 0.00001; TOPMed below 0.00001; ExAC 0.00001; gnomAD 0.00001; ESP Exome Variant Server 0.00008.
gnomAD v4.1: 3 of 1,614,072 alleles (0.00019%); highest among the groups gnomAD compares: Non-Finnish European, 0.00025%; no homozygotes.

Submission:

Labcorp Genetics (formerly Invitae), Labcorp
Classification: Uncertain significance. Last evaluated: 2023-12-07. Review status: criteria provided, single submitter. Criteria: Invitae Variant Classification Sherloc (09022015). Collection method: clinical testing. Allele origin: germline.
Comment: This sequence change replaces glutamic acid, which is acidic and polar, with aspartic acid, which is acidic and polar, at codon 221 of the ARMC9 protein (p.Glu221Asp). This variant is present in population databases (rs374113705, gnomAD 0.0009%). This variant has not been reported in the literature in individuals affected with ARMC9-related conditions. ClinVar contains an entry for this variant (Variation ID: 2130055). Experimental studies and prediction algorithms are not available or were not evaluated, and the functional significance of this variant is currently unknown. In summary, the available evidence is currently insufficient to determine the role of this variant in disease. Therefore, it has been classified as a Variant of Uncertain Significance.